The following is an entry in ClinVar:

ClinVar aggregate classification (germline): Likely benign. Review status: criteria provided, multiple submitters, no conflicts (2 of 4 stars). 2 submissions from 2 submitters: Likely benign (2). Last evaluated 2026-07-01.

Conditions:
T-B+ severe combined immunodeficiency due to JAK3 deficiency. Also called: SCID, T CELL-NEGATIVE, B CELL-POSITIVE, NK CELL-NEGATIVE; SCID, autosomal recessive, T-negative/B-positive type. Identifiers: Orphanet 35078, MedGen C1833275, MONDO:0010938, OMIM 600802.

gnomAD v4.1: 16 of 1,607,468 alleles (0.001%); highest among the groups gnomAD compares: Admixed American, 0.0017%; no homozygotes.

Submissions (2):

CeGaT Center for Human Genetics Tuebingen
Classification: Likely benign. Last evaluated: 2026-07-01. Review status: criteria provided, single submitter. Criteria: CeGaT Center For Human Genetics Tuebingen Variant Classification Criteria Version 2. Collection method: clinical testing. Allele origin: germline. Affected: yes. Observed: 3 variant alleles.
Comment: JAK3: BP4, BP7

Labcorp Genetics (formerly Invitae), Labcorp
Classification: Likely benign for T-B+ severe combined immunodeficiency due to JAK3 deficiency. Last evaluated: 2024-02-20. Review status: criteria provided, single submitter. Criteria: Invitae Variant Classification Sherloc (09022015). Collection method: clinical testing. Allele origin: germline.

NM_000215.4(JAK3):c.2316C>T (p.Ala772=)

Gene: JAK3 (Janus kinase 3; minus strand). Cytogenetic location: 19p13.11.
Variant type: single nucleotide variant.
Coding change: c.2316C>T on transcript NM_000215.4 (MANE Select); coding-DNA position 2316, C replaced by T.
Protein change: p.Ala772=; no amino-acid change (alanine 772 retained).
Molecular consequence: synonymous variant.
Genome position (GRCh38, 1-based): chr19:17,834,605, G>A on the plus strand (C>T on the coding strand, the complement: JAK3 is on the minus strand). VCF-style: chr19-17834605-G-A. GRCh37 (hg19) VCF-style: chr19-17945414-G-A.
Identifiers: ClinVar variation 3020097 (VCV003020097.7), dbSNP rs139268535, ClinGen allele CA9301628.